The following is an entry in ClinVar:

NM_001009944.3(PKD1):c.2914A>T (p.Lys972Ter)

Gene: PKD1 (polycystin 1, transient receptor potential channel interacting; minus strand). Cytogenetic location: 16p13.3.
Variant type: single nucleotide variant.
Coding change: c.2914A>T on transcript NM_001009944.3 (MANE Select); coding-DNA position 2914, A replaced by T.
Protein change: p.Lys972Ter; replaces lysine 972 with a stop codon.
Molecular consequence: nonsense.
Genome position (GRCh38, 1-based): chr16:2,113,232, T>A on the plus strand (A>T on the coding strand, the complement: PKD1 is on the minus strand). VCF-style: chr16-2113232-T-A. GRCh37 (hg19) VCF-style: chr16-2163233-T-A.
Other names: c.2914A>T, p.Lys972Ter (NM_000296.4); short protein forms K972*.
Identifiers: ClinVar variation 997381 (VCV000997381.1), dbSNP rs2092566273, ClinGen allele CA394385626.

ClinVar aggregate classification (germline): Pathogenic (0 of 4 stars; one submission).

Conditions:
Polycystic kidney disease. Also called: Polycystic kidney dysplasia; Kidney, Polycystic. Identifiers: MedGen C0022680, MeSH D007690, MONDO:0020642, HP:0000113.

Submission:

Department of Pathology and Laboratory Medicine, Sinai Health System
Classification: Pathogenic for Polycystic Kidney disease. Review status: no assertion criteria provided. Collection method: clinical testing. Allele origin: unknown. Affected: yes. Study: The Canadian Open Genetics Repository (COGR).
Comment: The PKD1 p. Lys972* variant was identified in 1 of 440 proband chromosomes (frequency: 0.002) from individuals or families with ADPKD (Hwang 2016). The variant was not identified in dbSNP, ClinVar, Clinvitae, COGR, LOVD 3.0, ADPKD Mutation Database, and PKD1-LOVD databases. The variant was not identified in the following control databases: the 1000 Genomes Project, the NHLBI GO Exome Sequencing Project, the Exome Aggregation Consortium (August 8th 2016), or the Genome Aggregation Database (Feb 27, 2017). The c.2914A>T variant leads to a premature stop codon at codon 972, which is predicted to lead to a truncated or absent protein and loss of function. Loss of function variants of the PKD1 gene are an established mechanism of disease in autosomal dominant polycystic kidney disease and is the type of variant expected to cause the disorder. In summary, based on the above information this variant meets our laboratoryâ€šÃ„Ã´s criteria to be classified as pathogenic.